The following is an entry in ClinVar:

NM_004415.4(DSP):c.7369C>G (p.Gln2457Glu)

Gene: DSP (desmoplakin; plus strand). Cytogenetic location: 6p24.3.
Variant type: single nucleotide variant.
Coding change: c.7369C>G on transcript NM_004415.4 (MANE Select); coding-DNA position 7369, C replaced by G.
Protein change: p.Gln2457Glu; replaces glutamine 2457 with glutamic acid.
Molecular consequence: missense variant.
Genome position (GRCh38, 1-based): chr6:7,584,631, C>G. VCF-style: chr6-7584631-C-G. GRCh37 (hg19) VCF-style: chr6-7584864-C-G.
Other names: c.5572C>G, p.Gln1858Glu (NM_001008844.3); c.6040C>G, p.Gln2014Glu (NM_001319034.2); short protein forms Q1858E, Q2014E, Q2457E.
Identifiers: ClinVar variation 3386719 (VCV003386719.3).
Genomic context (GRCh38, chr6:7,584,631, plus strand): 5'-GAGGAAACAGGGCTCTGTCTTCTGCCTCTGAAAGAAAAGAAGAAACAGGTGCAGACATCA[C>G]AAAAGAATACCCTCAGGAAGCGTAGAGTGGTCATAGTTGACCCAGAAACCAATAAAGAAA-3'
Protein context (NP_004406.2, residues 2447-2467): KEKKKQVQTS[Gln2457Glu]KNTLRKRRVV

ClinVar aggregate classification (germline): Uncertain significance. Review status: criteria provided, multiple submitters, no conflicts (2 of 4 stars). 2 submissions from 2 submitters: Uncertain significance (2). Last evaluated 2025-11-25.

Conditions:
Arrhythmogenic cardiomyopathy with wooly hair and keratoderma. Also called: Carvajal syndrome; PALMOPLANTAR KERATODERMA WITH LEFT VENTRICULAR CARDIOMYOPATHY AND WOOLLY HAIR; Dilated cardiomyopathy with woolly hair and keratoderma; Arrhythmogenic cardiomyopathy with woolly hair and keratoderma. Identifiers: Orphanet 65282, MedGen C1854063, MONDO:0011581, OMIM 605676.
Arrhythmogenic right ventricular dysplasia 8 (ARVD8). Also called: ARRHYTHMOGENIC RIGHT VENTRICULAR DYSPLASIA, FAMILIAL, 8; Arrhythmogenic Right Ventricular Dysplasia/Cardiomyopathy 8; ARRHYTHMOGENIC RIGHT VENTRICULAR CARDIOMYOPATHY 8. Identifiers: MedGen C1843896, MONDO:0011831, OMIM 607450.

gnomAD v4.1: 1 of 1,614,112 alleles (0.000062%); highest among the groups gnomAD compares: Non-Finnish European, 0.000085%; no homozygotes.

Submissions (2):

Labcorp Genetics (formerly Invitae), Labcorp
Classification: Uncertain significance for Arrhythmogenic cardiomyopathy with wooly hair and keratoderma; Arrhythmogenic right ventricular dysplasia 8. Last evaluated: 2025-11-25. Review status: criteria provided, single submitter. Criteria: Invitae Variant Classification Sherloc (09022015). Collection method: clinical testing. Allele origin: germline.
Comment: This sequence change replaces glutamine, which is neutral and polar, with glutamic acid, which is acidic and polar, at codon 2457 of the DSP protein (p.Gln2457Glu). This variant is not present in population databases (gnomAD no frequency). This variant has not been reported in the literature in individuals affected with DSP-related conditions. ClinVar contains an entry for this variant (Variation ID: 3386719). An algorithm developed to predict the effect of missense changes on protein structure and function (PolyPhen-2) suggests that this variant is likely to be disruptive. In summary, the available evidence is currently insufficient to determine the role of this variant in disease. Therefore, it has been classified as a Variant of Uncertain Significance.

All of Us Research Program, National Institutes of Health
Classification: Uncertain significance for Arrhythmogenic cardiomyopathy with wooly hair and keratoderma. Last evaluated: 2024-08-13. Review status: criteria provided, single submitter. Criteria: ACMG Guidelines, 2015. Collection method: clinical testing. Allele origin: germline. Inheritance: Autosomal dominant inheritance. Observed: 2 variant alleles, 2 heterozygotes.
Comment: This missense variant replaces glutamine with glutamic acid at codon 2457 of the DSP protein. Computational prediction suggests that this variant may not impact protein structure and function (internally defined REVEL score threshold <= 0.5, PMID: 27666373). To our knowledge, functional studies have not been reported for this variant. This variant has not been reported in individuals affected with DSP-related disorders in the literature. This variant has not been identified in the general population by the Genome Aggregation Database (gnomAD). The available evidence is insufficient to determine the role of this variant in disease conclusively. Therefore, this variant is classified as a Variant of Uncertain Significance.

This study involves interpretation of variants in research participants for the purpose of population health screening. Participant phenotype was not available at the time of variant classification. Additional details can be found in publication PMID: 35346344, PMCID: PMC8962531